The following is an entry in ClinVar:

NM_015072.5(TTLL5):c.3642del (p.Val1215fs)

Gene: TTLL5 (tubulin tyrosine ligase like 5; plus strand). Cytogenetic location: 14q24.3.
Variant type: Deletion.
Coding change: c.3642del on transcript NM_015072.5 (MANE Select); coding-DNA position 3642, one base deleted (A; older notation c.3642delA).
Protein change: p.Val1215fs; shifts the reading frame from valine 1215.
Molecular consequence: frameshift variant.
Genome position (GRCh38, 1-based): chr14:75,882,804, A deleted; the last of 5 consecutive A bases (chr14:75,882,800-75,882,804); deleting any one gives the same sequence. VCF-style (leftmost placement, unchanged base first): chr14-75882799-CA-C. GRCh37 (hg19) VCF-style: chr14-76349142-CA-C.
Other names: short protein forms V1215fs.
Identifiers: ClinVar variation 4730032 (VCV004730032.1).

ClinVar aggregate classification (germline): Pathogenic (1 of 4 stars; one submission).

Submission:

Labcorp Genetics (formerly Invitae), Labcorp
Classification: Pathogenic. Last evaluated: 2025-10-27. Review status: criteria provided, single submitter. Criteria: Invitae Variant Classification Sherloc (09022015). Collection method: clinical testing. Allele origin: germline.
Comment: This sequence change creates a premature translational stop signal (p.Val1215Trpfs*41) in the TTLL5 gene. It is expected to result in an absent or disrupted protein product. Loss-of-function variants in TTLL5 are known to be pathogenic (PMID: 24791901, 27162334). This variant is not present in population databases (gnomAD no frequency). This variant has not been reported in the literature in individuals affected with TTLL5-related conditions. For these reasons, this variant has been classified as Pathogenic.

Literature cited by the submitters: PubMed 24791901; PubMed 27162334.